The following is an entry in ClinVar:

ClinVar aggregate classification (germline): Uncertain significance (1 of 4 stars; one submission).

Conditions:
Duane-radial ray syndrome (DRRS). Also called: ACRORENOOCULAR SYNDROME; DR SYNDROME; DUANE ANOMALY WITH RADIAL RAY ABNORMALITIES AND DEAFNESS; Duane-Radial Ray Syndrome/Okihiro Syndrome; Duane-Radial Ray Syndrome (DRRS) / Okihiro Syndrome; Okihiro Syndrome. Identifiers: Orphanet 93293, Orphanet 959, MedGen C1623209, MONDO:0011812, OMIM 607323. Disease mechanism: gain of function.

Allele frequency attached by ClinVar (database versions not stated): gnomAD 0.00001; TOPMed 0.00001.
gnomAD v4.1: 1 of 1,613,846 alleles (0.000062%); highest among the groups gnomAD compares: Admixed American, 0.0017%; no homozygotes.

Submission:

Labcorp Genetics (formerly Invitae), Labcorp
Classification: Uncertain significance for Duane-radial ray syndrome. Last evaluated: 2024-03-04. Review status: criteria provided, single submitter. Criteria: Invitae Variant Classification Sherloc (09022015). Collection method: clinical testing. Allele origin: germline.
Comment: This sequence change replaces serine, which is neutral and polar, with proline, which is neutral and non-polar, at codon 285 of the SALL4 protein (p.Ser285Pro). This variant is not present in population databases (gnomAD no frequency). This variant has not been reported in the literature in individuals affected with SALL4-related conditions. ClinVar contains an entry for this variant (Variation ID: 1988477). Algorithms developed to predict the effect of missense changes on protein structure and function output the following: SIFT: "Not Available"; PolyPhen-2: "Benign"; Align-GVGD: "Not Available". The proline amino acid residue is found in multiple mammalian species, which suggests that this missense change does not adversely affect protein function. In summary, the available evidence is currently insufficient to determine the role of this variant in disease. Therefore, it has been classified as a Variant of Uncertain Significance.

NM_020436.5(SALL4):c.853T>C (p.Ser285Pro)

Gene: SALL4 (spalt like transcription factor 4; minus strand). Cytogenetic location: 20q13.2.
Variant type: single nucleotide variant.
Coding change: c.853T>C on transcript NM_020436.5 (MANE Select); coding-DNA position 853, T replaced by C.
Protein change: p.Ser285Pro; replaces serine 285 with proline.
Molecular consequence: missense variant.
Genome position (GRCh38, 1-based): chr20:51,791,630, A>G on the plus strand (T>C on the coding strand, the complement: SALL4 is on the minus strand). VCF-style: chr20-51791630-A-G. GRCh37 (hg19) VCF-style: chr20-50408169-A-G.
Other names: c.853T>C, p.Ser285Pro (NM_001318031.2); short protein forms S285P.
Identifiers: ClinVar variation 1988477 (VCV001988477.4), dbSNP rs2078043324, ClinGen allele CA409015320.